The following is an entry in ClinVar:

ClinVar aggregate classification (germline): Uncertain significance (1 of 4 stars; one submission).

Allele frequency attached by ClinVar (database versions not stated): gnomAD exomes below 0.00001; ExAC 0.00001.
gnomAD v4.1: 4 of 1,614,162 alleles (0.00025%); highest among the groups gnomAD compares: South Asian, 0.0022%; no homozygotes.

Submission:

GeneDx
Classification: Uncertain significance. Last evaluated: 2022-07-14. Review status: criteria provided, single submitter. Criteria: GeneDx Variant Classification Process June 2021. Collection method: clinical testing. Allele origin: germline. Affected: yes.
Comment: In silico analysis supports that this missense variant does not alter protein structure/function; Observed in patient with severe early-onset obesity and hyperphagia (Saeed et al., 2022); This variant is associated with the following publications: (PMID: 35061034)

NM_005068.3(SIM1):c.1846G>C (p.Gly616Arg)

Gene: SIM1 (SIM bHLH transcription factor 1; minus strand). Cytogenetic location: 6q16.3.
Variant type: single nucleotide variant.
Coding change: c.1846G>C on transcript NM_005068.3 (MANE Select); coding-DNA position 1846, G replaced by C.
Protein change: p.Gly616Arg; replaces glycine 616 with arginine.
Molecular consequence: missense variant.
Genome position (GRCh38, 1-based): chr6:100,390,816, C>G on the plus strand (G>C on the coding strand, the complement: SIM1 is on the minus strand). VCF-style: chr6-100390816-C-G. GRCh37 (hg19) VCF-style: chr6-100838692-C-G.
Other names: c.1846G>C, p.Gly616Arg (NM_001374769.1); short protein forms G616R.
Identifiers: ClinVar variation 1878894 (VCV001878894.1), dbSNP rs757303574, ClinGen allele CA3936929.
Genomic context (GRCh38, chr6:100,390,816, plus strand): 5'-TCTGCTGGATATGGTCACATGGTGAAGTGTTGGCAAGAGCAGAGCCATGGCAGACTTCAC[C>G]TGTTGGTGGGGGCTGTTGGTAGTTTGCAAAACACAGGGAGTGTTTTTTCCCAGCCCCATT-3'
Protein context (NP_005059.2, residues 606-626): FANYQQPPPT[Gly616Arg]EVCHGSALAN